The following is an entry in ClinVar:

NM_015512.5(DNAH1):c.3877G>A (p.Asp1293Asn)

Gene: DNAH1 (dynein axonemal heavy chain 1; plus strand). Cytogenetic location: 3p21.1.
Variant type: single nucleotide variant.
Coding change: c.3877G>A on transcript NM_015512.5 (MANE Select); coding-DNA position 3877, G replaced by A.
Protein change: p.Asp1293Asn; replaces aspartic acid 1293 with asparagine.
Molecular consequence: missense variant.
Genome position (GRCh38, 1-based): chr3:52,357,632, G>A. VCF-style: chr3-52357632-G-A. GRCh37 (hg19) VCF-style: chr3-52391648-G-A.
Other names: short protein forms D1293N.
Identifiers: ClinVar variation 430856 (VCV000430856.8), dbSNP rs140883175, ClinGen allele CA2433729.

ClinVar aggregate classification (germline): Uncertain significance. Review status: criteria provided, multiple submitters, no conflicts (2 of 4 stars). 4 submissions from 4 submitters: Uncertain significance (3). 1 of the submissions does not count toward it. Last evaluated 2026-02-01.

Conditions:
DNAH1-related disorder. Also called: DNAH1-related condition.
Ciliary dyskinesia, primary, 37 (CILD37). Also called: CILIARY DYSKINESIA, PRIMARY, 37, WITH OR WITHOUT SITUS INVERSUS. Identifiers: MedGen C4539798, MONDO:0033204, OMIM 617577.
Spermatogenic failure 18. Identifiers: MedGen C4539783, MONDO:0054615, OMIM 617576.

Allele frequency attached by ClinVar (database versions not stated): ESP Exome Variant Server 0.00008; ExAC 0.00027; gnomAD 0.00034 and 0.00036; TOPMed 0.00076; 1000 Genomes Project 30x 0.00125; 1000 Genomes Project 0.00140.
gnomAD v4.1: 330 of 1,600,730 alleles (0.021%); highest among the groups gnomAD compares: Admixed American, 0.11%; 2 homozygotes.

Submissions (4):

Labcorp Genetics (formerly Invitae), Labcorp
Classification: Uncertain significance for Ciliary dyskinesia, primary, 37; Spermatogenic failure 18. Last evaluated: 2026-02-01. Review status: criteria provided, single submitter. Criteria: Invitae Variant Classification Sherloc (09022015). Collection method: clinical testing. Allele origin: germline.
Comment: This sequence change replaces aspartic acid, which is acidic and polar, with asparagine, which is neutral and polar, at codon 1293 of the DNAH1 protein (p.Asp1293Asn). This variant is present in population databases (rs140883175, gnomAD 0.05%). This missense change has been observed in individual(s) with multiple morph abnormalities of the sperm flagella (PMID: 24360805). ClinVar contains an entry for this variant (Variation ID: 430856). Invitae Evidence Modeling of protein sequence and biophysical properties (such as structural, functional, and spatial information, amino acid conservation, physicochemical variation, residue mobility, and thermodynamic stability) indicates that this missense variant is not expected to disrupt DNAH1 protein function with a negative predictive value of 80%. In summary, the available evidence is currently insufficient to determine the role of this variant in disease. Therefore, it has been classified as a Variant of Uncertain Significance.

Blueprint Genetics
Classification: Uncertain significance. Last evaluated: 2024-11-12. Review status: criteria provided, single submitter. Criteria: ACMG Guidelines, 2015. Collection method: clinical testing. Allele origin: germline.

PreventionGenetics, part of Exact Sciences
Classification: Uncertain significance for DNAH1-related condition. Last evaluated: 2022-09-07. Review status: criteria provided, single submitter. Criteria: ACMG Guidelines, 2015. Collection method: clinical testing. Allele origin: germline.
Comment: The DNAH1 c.3877G>A variant is predicted to result in the amino acid substitution p.Asp1293Asn. This variant is reported in 0.045% of alleles in individuals of Latino descent in gnomAD. At this time, the clinical significance of this variant is uncertain due to the absence of conclusive functional and genetic evidence.

OMIM
Classification: Pathogenic for SPERMATOGENIC FAILURE 18. Last evaluated: 2017-07-20. Review status: no assertion criteria provided. Collection method: literature only. Allele origin: germline. Not counted in ClinVar's aggregate classification.

Literature cited by the submitters: PubMed 24360805 (cited by Labcorp Genetics (formerly Invitae), Labcorp and OMIM).